The following is an entry in ClinVar:

ClinVar aggregate classification (germline): Uncertain significance. Review status: criteria provided, multiple submitters, no conflicts (2 of 4 stars). 5 submissions from 5 submitters: Uncertain significance (5). Last evaluated 2025-05-07.

Conditions:
Colorectal cancer. Also called: Colorectal cancer, somatic; Malignant Colorectal Neoplasm. Identifiers: MedGen C0346629, MONDO:0005575, OMIM 114500.
Oligodontia-cancer predisposition syndrome. Also called: TOOTH AGENESIS-COLORECTAL CANCER SYNDROME. Identifiers: Orphanet 300576, MedGen C1837750, MONDO:0012075, OMIM 608615. Disease mechanism: loss of function.
Hereditary cancer-predisposing syndrome. Also called: Hereditary Cancer Syndrome; Hereditary neoplastic syndrome; Tumor predisposition; Neoplastic Syndromes, Hereditary. Identifiers: Orphanet 140162, MedGen C0027672, MeSH D009386, MONDO:0015356.

Allele frequency attached by ClinVar (database versions not stated): gnomAD exomes below 0.00001; TOPMed below 0.00001.
gnomAD v4.1: 1 of 1,614,242 alleles (0.000062%); highest among the groups gnomAD compares: African/African-American, 0.0013%; no homozygotes.

Submissions (5):

Ambry Genetics
Classification: Uncertain significance for Hereditary cancer-predisposing syndrome. Last evaluated: 2025-05-07. Review status: criteria provided, single submitter. Criteria: Ambry Variant Classification Scheme 2023. Collection method: clinical testing. Allele origin: germline.
Comment: The p.L759H variant (also known as c.2276T>A), located in coding exon 9 of the AXIN2 gene, results from a T to A substitution at nucleotide position 2276. The leucine at codon 759 is replaced by histidine, an amino acid with similar properties. This amino acid position is conserved. In addition, this alteration is predicted to be tolerated by in silico analysis. Since supporting evidence is limited at this time, the clinical significance of this alteration remains unclear.

Labcorp Genetics (formerly Invitae), Labcorp
Classification: Uncertain significance for Oligodontia-cancer predisposition syndrome. Last evaluated: 2024-11-07. Review status: criteria provided, single submitter. Criteria: Invitae Variant Classification Sherloc (09022015). Collection method: clinical testing. Allele origin: germline.
Comment: This sequence change replaces leucine, which is neutral and non-polar, with histidine, which is basic and polar, at codon 759 of the AXIN2 protein (p.Leu759His). This variant is present in population databases (no rsID available, gnomAD 0.007%). This variant has not been reported in the literature in individuals affected with AXIN2-related conditions. ClinVar contains an entry for this variant (Variation ID: 1788865). Invitae Evidence Modeling of protein sequence and biophysical properties (such as structural, functional, and spatial information, amino acid conservation, physicochemical variation, residue mobility, and thermodynamic stability) indicates that this missense variant is not expected to disrupt AXIN2 protein function with a negative predictive value of 80%. In summary, the available evidence is currently insufficient to determine the role of this variant in disease. Therefore, it has been classified as a Variant of Uncertain Significance.

Fulgent Genetics
Classification: Uncertain significance for Colorectal cancer; Oligodontia-cancer predisposition syndrome. Last evaluated: 2024-03-24. Review status: criteria provided, single submitter. Criteria: ACMG Guidelines, 2015. Collection method: clinical testing. Allele origin: germline.

Baylor Genetics
Classification: Uncertain significance for Colorectal cancer. Last evaluated: 2024-03-15. Review status: criteria provided, single submitter. Criteria: ACMG Guidelines, 2015. Collection method: clinical testing. Allele origin: unknown.

GeneDx
Classification: Uncertain significance. Last evaluated: 2023-11-13. Review status: criteria provided, single submitter. Criteria: GeneDx Variant Classification Process June 2021. Collection method: clinical testing. Allele origin: germline. Affected: yes.
Comment: Not observed at significant frequency in large population cohorts (gnomAD); In silico analysis supports that this missense variant does not alter protein structure/function; Has not been previously published as pathogenic or benign to our knowledge

NM_004655.4(AXIN2):c.2276T>A (p.Leu759His)

Gene: AXIN2 (axin 2; minus strand). Cytogenetic location: 17q24.1.
Variant type: single nucleotide variant.
Coding change: c.2276T>A on transcript NM_004655.4 (MANE Select); coding-DNA position 2276, T replaced by A.
Protein change: p.Leu759His; replaces leucine 759 with histidine.
Molecular consequence: missense variant.
Genome position (GRCh38, 1-based): chr17:65,534,041, A>T on the plus strand (T>A on the coding strand, the complement: AXIN2 is on the minus strand). VCF-style: chr17-65534041-A-T. GRCh37 (hg19) VCF-style: chr17-63530159-A-T.
Other names: c.2081T>A, p.Leu694His (NM_001363813.1); short protein forms L759H, L694H.
Identifiers: ClinVar variation 1788865 (VCV001788865.9), dbSNP rs1060502135, ClinGen allele CA400675605.
Genomic context (GRCh38, chr17:65,534,041, plus strand): 5'-CTCCGGTATGGAATTTCTTCCCCACAGAAAAAGTAAGTGACAACCAACTCACTGGCCTGG[A>T]GCGCGTGGACACCTGCCAGTTTCTTTGGCTCTTTGTGACTGAAAATAAGATGGAATGGAA-3'
Protein context (NP_004646.3, residues 749-769): EPKKLAGVHA[Leu759His]QASELVVTYF